The following is an entry in ClinVar:

NM_006080.3(SEMA3A):c.1412A>C (p.Asp471Ala)

Gene: SEMA3A (semaphorin 3A; minus strand). Cytogenetic location: 7q21.11.
Variant type: single nucleotide variant.
Coding change: c.1412A>C on transcript NM_006080.3 (MANE Select); coding-DNA position 1412, A replaced by C.
Protein change: p.Asp471Ala; replaces aspartic acid 471 with alanine.
Molecular consequence: missense variant.
Genome position (GRCh38, 1-based): chr7:84,001,995, T>G on the plus strand (A>C on the coding strand, the complement: SEMA3A is on the minus strand). VCF-style: chr7-84001995-T-G. GRCh37 (hg19) VCF-style: chr7-83631311-T-G.
Other names: short protein forms D471A.
Identifiers: ClinVar variation 3351039 (VCV003351039.2).

ClinVar aggregate classification (germline): Uncertain significance. Review status: criteria provided, single submitter (1 of 4 stars). 2 submissions from 2 submitters: Uncertain significance (1). 1 of the submissions does not count toward it. Last evaluated 2025-03-17.

Conditions:
SEMA3A-related disorder. Also called: SEMA3A-related condition.

gnomAD v4.1: 36 of 1,612,732 alleles (0.0022%); highest among the groups gnomAD compares: Non-Finnish European, 0.003%; no homozygotes.

Submissions (2):

GeneDx
Classification: Uncertain significance. Last evaluated: 2025-03-17. Review status: criteria provided, single submitter. Criteria: GeneDx Variant Classification Process June 2021. Collection method: clinical testing. Allele origin: germline. Affected: yes.
Comment: In silico analysis indicates that this missense variant does not alter protein structure/function; Has not been previously published as pathogenic or benign to our knowledge

PreventionGenetics, part of Exact Sciences
Classification: Uncertain significance for SEMA3A-related condition. Last evaluated: 2024-05-28. Review status: no assertion criteria provided. Collection method: clinical testing. Allele origin: germline. Not counted in ClinVar's aggregate classification.
Comment: The SEMA3A c.1412A>C variant is predicted to result in the amino acid substitution p.Asp471Ala. To our knowledge, this variant has not been reported in the literature. This variant is reported in 0.0062% of alleles in individuals of European (Non-Finnish) descent in gnomAD. At this time, the clinical significance of this variant is uncertain due to the absence of conclusive functional and genetic evidence.